The following is an entry in ClinVar:

NM_002691.4(POLD1):c.1204G>A (p.Asp402Asn)

Gene: POLD1 (DNA polymerase delta 1, catalytic subunit; plus strand). Cytogenetic location: 19q13.33.
Variant type: single nucleotide variant.
Coding change: c.1204G>A on transcript NM_002691.4 (MANE Select); coding-DNA position 1204, G replaced by A.
Protein change: p.Asp402Asn; replaces aspartic acid 402 with asparagine.
Molecular consequence: missense variant. On other transcripts: non-coding transcript variant (1).
Genome position (GRCh38, 1-based): chr19:50,403,559, G>A. VCF-style: chr19-50403559-G-A. GRCh37 (hg19) VCF-style: chr19-50906816-G-A.
Other names: c.1204G>A, p.Asp402Asn (NM_001256849.1, NM_001308632.1); short protein forms D402N.
Identifiers: ClinVar variation 469183 (VCV000469183.20), dbSNP rs1426325954, ClinGen allele CA406978570.

ClinVar aggregate classification (germline): Conflicting classifications of pathogenicity. Review status: criteria provided, conflicting classifications (1 of 4 stars). 6 submissions from 6 submitters: Likely pathogenic (1); Uncertain significance (5). Last evaluated 2026-05-18.

Conditions:
Hereditary cancer-predisposing syndrome. Also called: Neoplastic Syndromes, Hereditary; Hereditary neoplastic syndrome; Tumor predisposition; Hereditary Cancer Syndrome. Identifiers: Orphanet 140162, MedGen C0027672, MeSH D009386, MONDO:0015356.
POLD1-related polyposis and colorectal cancer syndrome (CRCS10). Also called: Colorectal cancer 10; COLORECTAL CANCER, SUSCEPTIBILITY TO, ON CHROMOSOME 19q; Colorectal cancer, susceptibility to, 10. Identifiers: Orphanet 220460, MedGen C2675481, MONDO:0012953, OMIM 612591.

Allele frequency attached by ClinVar (database versions not stated): gnomAD exomes below 0.00001; TOPMed below 0.00001.
gnomAD v4.1: 1 of 1,613,840 alleles (0.000062%); highest among the groups gnomAD compares: Non-Finnish European, 0.000085%; no homozygotes.

Submissions (6):

Ambry Genetics
Classification: Uncertain significance for Hereditary cancer-predisposing syndrome. Last evaluated: 2026-05-18. Review status: criteria provided, single submitter. Criteria: Ambry Variant Classification Scheme 2023. Collection method: clinical testing. Allele origin: germline.
Comment: The p.D402N variant (also known as c.1204G>A), located in coding exon 9 of the POLD1 gene, results from a G to A substitution at nucleotide position 1204. The aspartic acid at codon 402 is replaced by asparagine, an amino acid with highly similar properties. This variant was reported in an individual with endometrial cancer that was pMMR, MSS, and had a high tumor mutational burden and SBS10b mutational signature (Wei CH et al. Cancers (Basel), 2023 Nov;15:). This variant was reported in individual(s) with features consistent with POLD1-related polymerase proofreading-associated polyposis (Ambry internal data). In one study that used a yeast-based assay, this alteration was found to cause a strong mutator phenotype (Murphy K et al. Genome, 2006 Apr;49:403-10). This amino acid position is highly conserved in available vertebrate species. In addition, this alteration is predicted to be tolerated by in silico analysis. Based on the available evidence, the clinical significance of this alteration remains unclear.

Labcorp Genetics (formerly Invitae), Labcorp
Classification: Uncertain significance for POLD1-related polyposis and colorectal cancer syndrome. Last evaluated: 2026-02-03. Review status: criteria provided, single submitter. Criteria: Invitae Variant Classification Sherloc (09022015). Collection method: clinical testing. Allele origin: germline.
Comment: This sequence change replaces aspartic acid, which is acidic and polar, with asparagine, which is neutral and polar, at codon 402 of the POLD1 protein (p.Asp402Asn). This variant is present in population databases (no rsID available, gnomAD 0.006%). This missense change has been observed in individual(s) with endometrial cancer (PMID: 38067377). ClinVar contains an entry for this variant (Variation ID: 469183). Invitae Evidence Modeling of protein sequence and biophysical properties (such as structural, functional, and spatial information, amino acid conservation, physicochemical variation, residue mobility, and thermodynamic stability) indicates that this missense variant is expected to disrupt POLD1 protein function with a positive predictive value of 80%. Experimental studies have shown that this missense change affects POLD1 function (PMID: 38067377). In summary, the available evidence is currently insufficient to determine the role of this variant in disease. Therefore, it has been classified as a Variant of Uncertain Significance.

Quest Diagnostics Nichols Institute San Juan Capistrano
Classification: Uncertain significance. Last evaluated: 2024-10-08. Review status: criteria provided, single submitter. Criteria: Quest Diagnostics criteria. Collection method: clinical testing. Allele origin: unknown.
Comment: The POLD1 c.1204G>A (p.Asp402Asn) variant has been reported in the published literature in individuals with breast cancer and colorectal cancer (PMID: 38067377 (2023)). A functional study demonstrated that the impact on protein function is inconclusive (PMID: 16699561 (2006)). The frequency of this variant in the general population, 0.000004 (1/251464 chromosomes (Genome Aggregation Database)), is uninformative in the assessment of its pathogenicity. Analysis of this variant using bioinformatics tools for the prediction of the effect of amino acid changes on protein structure and function yielded predictions that this variant is damaging. Based on the available information, we are unable to determine the clinical significance of this variant.

Baylor Genetics
Classification: Uncertain significance for POLD1-related polyposis and colorectal cancer syndrome. Last evaluated: 2024-03-16. Review status: criteria provided, single submitter. Criteria: ACMG Guidelines, 2015. Collection method: clinical testing. Allele origin: unknown.

Myriad Genetics, Inc.
Classification: Likely pathogenic for POLD1-related polyposis and colorectal cancer syndrome. Last evaluated: 2024-01-29. Review status: criteria provided, single submitter. Criteria: Myriad Autosomal Dominant, Autosomal Recessive and X-Linked Classification Criteria (2023). Collection method: clinical testing. Allele origin: unknown.
Comment: This variant is considered likely pathogenic. This variant has been reported in multiple individuals with clinical features of gene-specific disease [PMID: 38067377]. Functional studies indicate this variant impacts protein function [PMID: 38067377, 16699561, 12429860]. This variant is expected to disrupt protein structure [Myriad internal data].

GeneDx
Classification: Uncertain significance. Last evaluated: 2023-12-19. Review status: criteria provided, single submitter. Criteria: GeneDx Variant Classification Process June 2021. Collection method: clinical testing. Allele origin: germline. Affected: yes.
Comment: Not observed at significant frequency in large population cohorts (gnomAD); In silico analysis supports that this missense variant has a deleterious effect on protein structure/function; Published functional studies suggest a damaging effect: defective DNA mismatch repair (PMID: 16699561); This variant is associated with the following publications: (PMID: 29880869, 28790115, 20951805, 16699561, 28687338)

Literature cited by the submitters: PubMed 16699561 (cited by 3 submitters); PubMed 28687338 (cited by Ambry Genetics and Quest Diagnostics Nichols Institute San Juan Capistrano); PubMed 28790115 (cited by Ambry Genetics and Quest Diagnostics Nichols Institute San Juan Capistrano); PubMed 29880869 (cited by Ambry Genetics and Quest Diagnostics Nichols Institute San Juan Capistrano); PubMed 38067377 (cited by 4 submitters); PubMed 12429860 (cited by Myriad Genetics, Inc.).